The following is an entry in ClinVar:

NM_002900.3(RBP3):c.2705C>G (p.Thr902Ser)

Gene: RBP3 (retinol binding protein 3; plus strand). Cytogenetic location: 10q11.22.
Variant type: single nucleotide variant.
Coding change: c.2705C>G on transcript NM_002900.3 (MANE Select); coding-DNA position 2705, C replaced by G.
Protein change: p.Thr902Ser; replaces threonine 902 with serine.
Molecular consequence: missense variant.
Genome position (GRCh38, 1-based): chr10:47,351,189, C>G. VCF-style: chr10-47351189-C-G. GRCh37 (hg19) VCF-style: chr10-48388173-G-C.
Other names: c.2705C>G (NM_002900.2); short protein forms T902S.
Identifiers: ClinVar variation 1963906 (VCV001963906.5), dbSNP rs782142964, ClinGen allele CA5487218.

ClinVar aggregate classification (germline): Conflicting classifications of pathogenicity. Review status: criteria provided, conflicting classifications (1 of 4 stars). 2 submissions from 2 submitters: Uncertain significance (1); Likely benign (1). Last evaluated 2024-12-25.

Conditions:
Inborn genetic diseases. Identifiers: MedGen C0950123, MeSH D030342.

Allele frequency attached by ClinVar (database versions not stated): ExAC 0.00001; gnomAD 0.00001; TOPMed 0.00001.
gnomAD v4.1: 3 of 1,613,122 alleles (0.00019%); highest among the groups gnomAD compares: Admixed American, 0.0033%; no homozygotes.

Submissions (2):

Ambry Genetics
Classification: Likely benign for Inborn genetic diseases. Last evaluated: 2024-12-25. Review status: criteria provided, single submitter. Criteria: Ambry Variant Classification Scheme 2023. Collection method: clinical testing. Allele origin: germline.

Labcorp Genetics (formerly Invitae), Labcorp
Classification: Uncertain significance. Last evaluated: 2022-09-27. Review status: criteria provided, single submitter. Criteria: Invitae Variant Classification Sherloc (09022015). Collection method: clinical testing. Allele origin: germline.
Comment: In summary, the available evidence is currently insufficient to determine the role of this variant in disease. Therefore, it has been classified as a Variant of Uncertain Significance. Algorithms developed to predict the effect of missense changes on protein structure and function output the following: SIFT: "Tolerated"; PolyPhen-2: "Possibly Damaging"; Align-GVGD: "Class C0". The serine amino acid residue is found in multiple mammalian species, which suggests that this missense change does not adversely affect protein function. This variant has not been reported in the literature in individuals affected with RBP3-related conditions. This variant is present in population databases (rs782142964, gnomAD 0.003%). This sequence change replaces threonine, which is neutral and polar, with serine, which is neutral and polar, at codon 902 of the RBP3 protein (p.Thr902Ser).